The following is an entry in ClinVar:

NM_001130987.2(DYSF):c.4528-2A>T

Gene: DYSF (dysferlin; plus strand). Cytogenetic location: 2p13.2.
Variant type: single nucleotide variant.
Coding change: c.4528-2A>T on transcript NM_001130987.2 (MANE Select); the canonical splice acceptor site of the intron before coding-DNA position 4528, A replaced by T.
Molecular consequence: splice acceptor variant.
Genome position (GRCh38, 1-based): chr2:71,643,963, A>T. VCF-style: chr2-71643963-A-T. GRCh37 (hg19) VCF-style: chr2-71871093-A-T.
Other names: c.4504-2A>T (NM_001130979.2); c.4525-2A>T (NM_001130981.2); c.4462-2A>T (NM_001130980.2); c.4474-2A>T (NM_001130978.2); c.4411-2A>T (NM_003494.4); c.4432-2A>T (NM_001130977.2); c.4369-2A>T (NM_001130976.2); c.4507-2A>T (NM_001130982.2); and 5 more.
Identifiers: ClinVar variation 2111201 (VCV002111201.4), dbSNP rs1213965862, ClinGen allele CA347217742.

ClinVar aggregate classification (germline): Likely pathogenic (1 of 4 stars; one submission).

Conditions:
Neuromuscular disease caused by qualitative or quantitative defects of dysferlin. Also called: Qualitative or quantitative defects of dysferlin; Dysferlinopathy. Identifiers: Orphanet 207073, MedGen C2931687, MONDO:0016145.

Submission:

Labcorp Genetics (formerly Invitae), Labcorp
Classification: Likely pathogenic for Neuromuscular disease caused by qualitative or quantitative defects of dysferlin. Last evaluated: 2022-03-13. Review status: criteria provided, single submitter. Criteria: Invitae Variant Classification Sherloc (09022015). Collection method: clinical testing. Allele origin: germline.
Comment: In summary, the currently available evidence indicates that the variant is pathogenic, but additional data are needed to prove that conclusively. Therefore, this variant has been classified as Likely Pathogenic. Algorithms developed to predict the effect of sequence changes on RNA splicing suggest that this variant may disrupt the consensus splice site. This variant has not been reported in the literature in individuals affected with DYSF-related conditions. This variant is not present in population databases (gnomAD no frequency). This sequence change affects an acceptor splice site in intron 40 of the DYSF gene. It is expected to disrupt RNA splicing. Variants that disrupt the donor or acceptor splice site typically lead to a loss of protein function (PMID: 16199547), and loss-of-function variants in DYSF are known to be pathogenic (PMID: 17698709, 20301480).

Literature cited by the submitters: PubMed 16199547; PubMed 17698709; PubMed 20301480.